The following is an entry in ClinVar:

NM_000548.5(TSC2):c.2981C>A (p.Ser994Tyr)

Gene: TSC2 (TSC complex subunit 2; plus strand). Cytogenetic location: 16p13.3.
Variant type: single nucleotide variant.
Coding change: c.2981C>A on transcript NM_000548.5 (MANE Select); coding-DNA position 2981, C replaced by A.
Protein change: p.Ser994Tyr; replaces serine 994 with tyrosine.
Molecular consequence: missense variant.
Genome position (GRCh38, 1-based): chr16:2,079,046, C>A. VCF-style: chr16-2079046-C-A. GRCh37 (hg19) VCF-style: chr16-2129047-C-A.
Other names: c.2849C>A, p.Ser950Tyr (NM_001077183.3, NM_001370404.1); c.2981C>A, p.Ser994Tyr (NM_001114382.3); c.2741C>A, p.Ser914Tyr (NM_001318827.2); c.2705C>A, p.Ser902Tyr (NM_001318829.2); c.2249C>A, p.Ser750Tyr (NM_001318831.2); c.2882C>A, p.Ser961Tyr (NM_001318832.2); c.2852C>A, p.Ser951Tyr (NM_001363528.2, NM_001370405.1, NM_021055.3); short protein forms S750Y, S961Y, S994Y, S902Y, S914Y, S951Y, S950Y.
Identifiers: ClinVar variation 1502665 (VCV001502665.8), dbSNP rs2151430416, ClinGen allele CA394283576.

ClinVar aggregate classification (germline): Uncertain significance (1 of 4 stars; one submission).

Conditions:
Tuberous sclerosis 2 (TSC2). Identifiers: Orphanet 805, MedGen C1860707, MONDO:0013199, OMIM 613254.

Submission:

Labcorp Genetics (formerly Invitae), Labcorp
Classification: Uncertain significance for Tuberous sclerosis 2. Last evaluated: 2021-03-02. Review status: criteria provided, single submitter. Criteria: Invitae Variant Classification Sherloc (09022015). Collection method: clinical testing. Allele origin: germline.
Comment: In summary, the available evidence is currently insufficient to determine the role of this variant in disease. Therefore, it has been classified as a Variant of Uncertain Significance. Advanced modeling of protein sequence and biophysical properties (such as structural, functional, and spatial information, amino acid conservation, physicochemical variation, residue mobility, and thermodynamic stability) performed at Invitae indicates that this missense variant is not expected to disrupt TSC2 protein function. This variant has not been reported in the literature in individuals with TSC2-related conditions. This variant is not present in population databases (ExAC no frequency). This sequence change replaces serine with tyrosine at codon 994 of the TSC2 protein (p.Ser994Tyr). The serine residue is highly conserved and there is a large physicochemical difference between serine and tyrosine.